The following is an entry in ClinVar:

ClinVar aggregate classification (germline): Uncertain significance. Review status: criteria provided, multiple submitters, no conflicts (2 of 4 stars). 2 submissions from 2 submitters: Uncertain significance (2). Last evaluated 2025-03-11.

Conditions:
Intellectual disability, autosomal dominant 16 (CSS4). Also called: COFFIN-SIRIS SYNDROME 4. Identifiers: Orphanet 1465, MedGen C3553249, MONDO:0013821, OMIM 614609.
Rhabdoid tumor predisposition syndrome 2 (RTPS2). Identifiers: Orphanet 231108, Orphanet 69077, MedGen C2750074, MONDO:0013224, OMIM 613325.

gnomAD v4.1: 1 of 1,613,714 alleles (0.000062%); highest among the groups gnomAD compares: Non-Finnish European, 0.000085%; no homozygotes.

Submissions (2):

Labcorp Genetics (formerly Invitae), Labcorp
Classification: Uncertain significance for Rhabdoid tumor predisposition syndrome 2. Last evaluated: 2025-03-11. Review status: criteria provided, single submitter. Criteria: Invitae Variant Classification Sherloc (09022015). Collection method: clinical testing. Allele origin: germline.
Comment: This sequence change replaces alanine, which is neutral and non-polar, with threonine, which is neutral and polar, at codon 677 of the SMARCA4 protein (p.Ala677Thr). This variant is not present in population databases (gnomAD no frequency). This missense change has been observed in individual(s) with neurodevelopmental disorder (PMID: 37500730). ClinVar contains an entry for this variant (Variation ID: 1010077). An algorithm developed to predict the effect of missense changes on protein structure and function outputs the following: PolyPhen-2: "Benign". The threonine amino acid residue is found in multiple mammalian species, which suggests that this missense change does not adversely affect protein function. In summary, the available evidence is currently insufficient to determine the role of this variant in disease. Therefore, it has been classified as a Variant of Uncertain Significance.

Victorian Clinical Genetics Services, Murdoch Childrens Research Institute
Classification: Uncertain significance for Intellectual disability, autosomal dominant 16. Last evaluated: 2020-07-02. Review status: criteria provided, single submitter. Criteria: ACMG Guidelines, 2015. Collection method: clinical testing. Allele origin: germline. Inheritance: Autosomal dominant inheritance. Affected: yes.
Comment: Based on the classification scheme VCGS_Germline_v1.1.1, this variant is classified as 3C-VUS. Following criteria are met: 0101 - Gain-of-function is a likely mechanism of disease for this gene. Both gain of function and dominant negative have been proposed to be the likely disease mechanism (PMID: 22426308). (N) 0104 - Dominant Negative is a likely mechanism of disease for this gene. (N) 0107 - This gene is known to be associated with autosomal dominant disease. (N) 0200 - Variant is predicted to result in a missense amino acid change from alanine to threonine (exon 14). (N) 0251 - Variant is heterozygous. (N) 0301 - Variant is absent from gnomAD. (P) 0503 - Missense variant consistently predicted to be tolerated or not conserved in mammals with a minor amino acid change. (B) 0600 - Variant is located in an annotated domain or motif (RNA-binding region; PDB). (N) 0705 - No comparable variants have previous evidence for pathogenicity. (N) 0807 - Variant has not previously been reported in a clinical context. (N) 0905 - No segregation evidence has been identified for this variant. (N) 1007 - No published functional evidence has been identified for this variant. (N) 1208 - Inheritance information for this variant is not currently available. (N) Legend: (P) - Pathogenic, (N) - Neutral, (B) - Benign

Literature cited by the submitters: PubMed 37500730 (cited by Labcorp Genetics (formerly Invitae), Labcorp); PubMed 22426308 (cited by Victorian Clinical Genetics Services, Murdoch Childrens Research Institute).

NM_003072.5(SMARCA4):c.2029G>A (p.Ala677Thr)

Gene: SMARCA4 (SWI/SNF related BAF chromatin remodeling complex subunit ATPase 4; plus strand). Cytogenetic location: 19p13.2.
Variant type: single nucleotide variant.
Coding change: c.2029G>A on transcript NM_003072.5 (MANE Select); coding-DNA position 2029, G replaced by A.
Protein change: p.Ala677Thr; replaces alanine 677 with threonine.
Molecular consequence: missense variant. On other transcripts: non-coding transcript variant (1).
Genome position (GRCh38, 1-based): chr19:11,007,929, G>A. VCF-style: chr19-11007929-G-A. GRCh37 (hg19) VCF-style: chr19-11118605-G-A.
Other names: c.2029G>A, p.Ala677Thr (NM_001128844.3, NM_001128845.2, NM_001128846.2 and 4 more transcripts); short protein forms A677T.
Identifiers: ClinVar variation 1010077 (VCV001010077.10), dbSNP rs2088396631, ClinGen allele CA404052423.
Genomic context (GRCh38, chr19:11,007,929, plus strand): 5'-GAACTGAGGTGACATGGGCTTGTCTCTTGGTAGGAGGAGGAGGAAGAGCAGCCGCAGGCA[G>A]CACAGCCTCCCACCCTGCCCGTGGAGGAGAAGAAGAAGATTCCAGATCCAGACAGCGATG-3'
Protein context (NP_003063.2, residues 667-687): EEEEEEQPQA[Ala677Thr]QPPTLPVEEK